The following is an entry in ClinVar:

ClinVar aggregate classification (germline): Uncertain significance. Review status: criteria provided, multiple submitters, no conflicts (2 of 4 stars). 3 submissions from 3 submitters: Uncertain significance (2). 1 of the submissions does not count toward it. Last evaluated 2024-11-26.

Conditions:
Hydrocephalus, nonsyndromic, autosomal recessive 2. Also called: Hydrocephalus, congenital, 2, with or without brain or eye anomalies. Identifiers: Orphanet 2185, MedGen C3554691, MONDO:0014085, OMIM 615219.
MPDZ-related disorder. Also called: MPDZ-related condition.

Allele frequency attached by ClinVar (database versions not stated): gnomAD exomes 0.00005 and 0.00007; ExAC 0.00012; gnomAD 0.00031 and 0.00035; TOPMed 0.00031; ESP Exome Variant Server 0.00032; 1000 Genomes Project 30x 0.00078; 1000 Genomes Project 0.00100.
gnomAD v4.1: 127 of 1,603,200 alleles (0.0079%); highest among the groups gnomAD compares: African/African-American, 0.15%; 1 homozygote.

Submissions (3):

Blueprint Genetics
Classification: Uncertain significance. Last evaluated: 2024-11-26. Review status: criteria provided, single submitter. Criteria: ACMG Guidelines, 2015. Collection method: clinical testing. Allele origin: germline.

Labcorp Genetics (formerly Invitae), Labcorp
Classification: Uncertain significance. Last evaluated: 2022-09-27. Review status: criteria provided, single submitter. Criteria: Invitae Variant Classification Sherloc (09022015). Collection method: clinical testing. Allele origin: germline.
Comment: This sequence change replaces alanine, which is neutral and non-polar, with threonine, which is neutral and polar, at codon 2010 of the MPDZ protein (p.Ala2010Thr). This variant is present in population databases (rs140627050, gnomAD 0.1%). This variant has not been reported in the literature in individuals affected with MPDZ-related conditions. ClinVar contains an entry for this variant (Variation ID: 1177484). Algorithms developed to predict the effect of missense changes on protein structure and function are either unavailable or do not agree on the potential impact of this missense change (SIFT: "Deleterious"; PolyPhen-2: "Probably Damaging"; Align-GVGD: "Class C0"). In summary, the available evidence is currently insufficient to determine the role of this variant in disease. Therefore, it has been classified as a Variant of Uncertain Significance.

PreventionGenetics, part of Exact Sciences
Classification: Uncertain significance for MPDZ-related condition. Last evaluated: 2024-05-03. Review status: no assertion criteria provided. Collection method: clinical testing. Allele origin: germline. Not counted in ClinVar's aggregate classification.
Comment: The MPDZ c.6028G>A variant is predicted to result in the amino acid substitution p.Ala2010Thr. To our knowledge, this variant has not been reported in the literature. This variant is reported in 0.12% of alleles in individuals of African descent in gnomAD. Although we suspect that this variant may be benign, at this time, the clinical significance of this variant is uncertain due to the absence of conclusive functional and genetic evidence.

NM_001378778.1(MPDZ):c.6115G>A (p.Ala2039Thr)

Gene: MPDZ (multiple PDZ domain crumbs cell polarity complex component; minus strand). Cytogenetic location: 9p23.
Variant type: single nucleotide variant.
Coding change: c.6115G>A on transcript NM_001378778.1 (MANE Select); coding-DNA position 6115, G replaced by A.
Protein change: p.Ala2039Thr; replaces alanine 2039 with threonine.
Molecular consequence: missense variant.
Genome position (GRCh38, 1-based): chr9:13,107,063, C>T on the plus strand (G>A on the coding strand, the complement: MPDZ is on the minus strand). VCF-style: chr9-13107063-C-T. GRCh37 (hg19) VCF-style: chr9-13107062-C-T.
Other names: c.6016G>A, p.Ala2006Thr (NM_001261406.2, NM_001375416.1, NM_001375417.1 and 1 more transcripts); c.5929G>A, p.Ala1977Thr (NM_001261407.2, NM_001375419.1); c.6115G>A, p.Ala2039Thr (NM_001330637.2); c.6214G>A, p.Ala2072Thr (NM_001375413.1); c.5905G>A, p.Ala1969Thr (NM_001375420.1, NM_001375421.1, NM_001375422.1 and 2 more transcripts); c.5818G>A, p.Ala1940Thr (NM_001375425.1, NM_001375426.1); c.5707G>A, p.Ala1903Thr (NM_001375427.1); c.6028G>A, p.Ala2010Thr (NM_003829.5); short protein forms A1903T, A1940T, A1969T, A1977T, A2006T, A2010T, A2039T, A2072T.
Identifiers: ClinVar variation 1177484 (VCV001177484.7), dbSNP rs140627050, ClinGen allele CA4985947.
Genomic context (GRCh38, chr9:13,107,063, plus strand): 5'-GTTTAAGGATGGCAACAGCTTCTTCATGGGTGACTCCTTCTAGACTCTGCCCATTGACAG[C>T]AATGATCTGATCGCCCCTTTTCAGACGTCCGTCTTCAGAGGCTGCTCCCTGCAAATTATA-3'
Protein context (NP_001365707.1, residues 2029-2049): GRLKRGDQII[Ala2039Thr]VNGQSLEGVT